The following is an entry in ClinVar:

ClinVar aggregate classification (germline): Conflicting classifications of pathogenicity. Review status: criteria provided, conflicting classifications (1 of 4 stars). 8 submissions from 8 submitters: Uncertain significance (4); Likely benign (4). Last evaluated 2026-01-26.

Conditions:
Hereditary nonpolyposis colorectal neoplasms. Identifiers: MedGen C0009405, MeSH D003123.
Hereditary cancer-predisposing syndrome. Also called: Hereditary Cancer Syndrome; Hereditary neoplastic syndrome; Neoplastic Syndromes, Hereditary; Tumor predisposition. Identifiers: Orphanet 140162, MedGen C0027672, MeSH D009386, MONDO:0015356.
Lynch syndrome 4 (LYNCH4). Also called: Colorectal cancer, hereditary nonpolyposis, type 4; Hereditary non-polyposis colorectal cancer, type 4. Identifiers: Orphanet 144, MedGen C1838333, MONDO:0013699, OMIM 614337. Disease mechanism: loss of function.
Lynch syndrome. Identifiers: Orphanet 144, MedGen C4552100, MONDO:0005835. Disease mechanism: loss of function.

Allele frequency attached by ClinVar (database versions not stated): gnomAD exomes below 0.00001; TOPMed below 0.00001; ExAC 0.00001; gnomAD 0.00001.

Submissions (8):

Labcorp Genetics (formerly Invitae), Labcorp
Classification: Likely benign for Hereditary nonpolyposis colorectal neoplasms. Last evaluated: 2026-01-26. Review status: criteria provided, single submitter. Criteria: Invitae Variant Classification Sherloc (09022015). Collection method: clinical testing. Allele origin: germline.

Ambry Genetics
Classification: Likely benign for Hereditary cancer-predisposing syndrome. Last evaluated: 2025-11-26. Review status: criteria provided, single submitter. Criteria: Ambry Variant Classification Scheme 2023. Collection method: clinical testing. Allele origin: germline.

Myriad Genetics, Inc.
Classification: Likely benign for Lynch syndrome 4. Last evaluated: 2025-01-24. Review status: criteria provided, single submitter. Criteria: Myriad Autosomal Dominant, Autosomal Recessive and X-Linked Classification Criteria (2023). Collection method: clinical testing. Allele origin: unknown.
Comment: This variant is considered likely benign. This variant is intronic and is not expected to impact mRNA splicing.

Quest Diagnostics Nichols Institute San Juan Capistrano
Classification: Uncertain significance. Last evaluated: 2024-06-13. Review status: criteria provided, single submitter. Criteria: Quest Diagnostics criteria. Collection method: clinical testing. Allele origin: unknown.
Comment: The PMS2 c.353+3G>A variant has not been reported in individuals with PMS2-related conditions in the published literature. The frequency of this variant in the general population, 0.0000043 (1/234666 chromosomes (Genome Aggregation Database)), is uninformative in the assessment of its pathogenicity. Analysis of this variant using software algorithms for the prediction of the effect of nucleotide changes on splicing yielded predictions that this variant does not affect PMS2 mRNA splicing. Based on the available information, we are unable to determine the clinical significance of this variant.

All of Us Research Program, National Institutes of Health
Classification: Uncertain significance for Lynch syndrome. Last evaluated: 2023-08-15. Review status: criteria provided, single submitter. Criteria: ACMG Guidelines, 2015. Collection method: clinical testing. Allele origin: germline. Inheritance: Autosomal dominant inheritance. Observed: 1 variant allele, 1 heterozygote.
Comment: This variant causes a G to A nucleotide substitution at the +3 position of intron 4 of the PMS2 gene. To our knowledge, functional studies have not been reported for this variant. This variant has not been reported in individuals affected with PMS2-related disorders in the literature. This variant has been identified in 1/234666 chromosomes in the general population by the Genome Aggregation Database (gnomAD). The available evidence is insufficient to determine the role of this variant in disease conclusively. Therefore, this variant is classified as a Variant of Uncertain Significance.

This study involves interpretation of variants in research participants for the purpose of population health screening. Participant phenotype was not available at the time of variant classification. Additional details can be found in publication PMID: 35346344, PMCID: PMC8962531

Sema4
Classification: Uncertain significance for Hereditary cancer-predisposing syndrome. Last evaluated: 2021-04-23. Review status: criteria provided, single submitter. Criteria: Sema4 Curation Guidelines. Collection method: curation. Allele origin: germline.
Comment: The PMS2 c.353+3G>A variant has not been reported in the literature to our knowledge. It was observed in 1/34378 chromosomes of the Latino subpopulation in the large and broad cohorts of the Genome Aggregation Database. The variant has been reported in ClinVar (Variation ID 385851). In silico tools suggest that this variant may affect splicing, though these predictions have not been confirmed by functional studies. The evidence is insufficient to meet ACMG/AMP criteria for classifying the variant as benign or pathogenic. Thus, the clinical significance of this variant is currently uncertain.

Women's Health and Genetics/Laboratory Corporation of America, LabCorp
Classification: Uncertain significance. Last evaluated: 2018-10-08. Review status: criteria provided, single submitter. Criteria: LabCorp Variant Classification Summary - May 2015. Collection method: clinical testing. Allele origin: germline.
Comment: Variant summary: PMS2 c.353+3G>A alters a non-conserved nucleotide located close to a canonical splice site and therefore could affect mRNA splicing, leading to a significantly altered protein sequence. 5/5 computational tools predict no significant impact on normal splicing. However, these predictions have yet to be confirmed by functional studies. The variant allele was found at a frequency of 4.3e-06 in 230064 control chromosomes. The available data on variant occurrences in the general population are insufficient to allow any conclusion about variant significance. To our knowledge, no occurrence of c.353+3G>A in individuals affected with Lynch Syndrome and no experimental evidence demonstrating its impact on protein function have been reported. One clinical diagnostic laboratory has submitted clinical-significance assessments for this variant to ClinVar after 2014 without evidence for independent evaluation. One laboratory classified the variant as benign/likely benign. Based on the evidence outlined above, the variant was classified as uncertain significance.

GeneDx
Classification: Likely benign. Last evaluated: 2016-05-02. Review status: criteria provided, single submitter. Criteria: GeneDx Variant Classification (06012015). Collection method: clinical testing. Allele origin: germline. Affected: yes.
Comment: This variant is considered likely benign or benign based on one or more of the following criteria: it is a conservative change, it occurs at a poorly conserved position in the protein, it is predicted to be benign by multiple in silico algorithms, and/or has population frequency not consistent with disease.

NM_000535.7(PMS2):c.353+3G>A

Gene: PMS2 (PMS1 homolog 2, mismatch repair system component; minus strand). Cytogenetic location: 7p22.1.
Variant type: single nucleotide variant.
Coding change: c.353+3G>A on transcript NM_000535.7 (MANE Select); 3 bases into the intron after coding-DNA position 353, G replaced by A.
Molecular consequence: intron variant.
Genome position (GRCh38, 1-based): chr7:6,003,687, C>T on the plus strand (G>A on the coding strand, the complement: PMS2 is on the minus strand). VCF-style: chr7-6003687-C-T. GRCh37 (hg19) VCF-style: chr7-6043318-C-T.
Other names: c.35+285G>A (NM_001322008.2, NM_001322007.2); c.-53+3G>A (NM_001322010.2, NM_001322004.2, NM_001322013.2 and 3 more transcripts); c.-532+3G>A (NM_001322012.2, NM_001322011.2); c.-132+3G>A (NM_001322015.2); c.353+3G>A (NM_001322006.2, NM_001322014.2, NM_000535.6).
Identifiers: ClinVar variation 385851 (VCV000385851.19), dbSNP rs766373982, ClinGen allele CA049358.